The following is an entry in ClinVar:

ClinVar aggregate classification (germline): Uncertain significance (1 of 4 stars; one submission).

gnomAD v4.1: 2 of 1,614,166 alleles (0.00012%); highest among the groups gnomAD compares: Non-Finnish European, 0.00017%; no homozygotes.

Submission:

GeneDx
Classification: Uncertain significance. Last evaluated: 2026-01-28. Review status: criteria provided, single submitter. Criteria: GeneDx Variant Classification Process June 2021. Collection method: clinical testing. Allele origin: germline.
Comment: Not observed at significant frequency in large population cohorts (gnomAD); In silico analysis suggests that this missense variant does not alter protein structure/function; Has not been previously published as pathogenic or benign to our knowledge

NM_138927.4(SON):c.3937G>A (p.Asp1313Asn)

Gene: SON (SON DNA and RNA binding protein; plus strand). Cytogenetic location: 21q22.11.
Variant type: single nucleotide variant.
Coding change: c.3937G>A on transcript NM_138927.4 (MANE Select); coding-DNA position 3937, G replaced by A.
Protein change: p.Asp1313Asn; replaces aspartic acid 1313 with asparagine.
Molecular consequence: missense variant. On other transcripts: non-coding transcript variant (1), intron variant (1).
Genome position (GRCh38, 1-based): chr21:33,553,168, G>A. VCF-style: chr21-33553168-G-A. GRCh37 (hg19) VCF-style: chr21-34925474-G-A.
Other names: c.3937G>A, p.Asp1313Asn (NM_001291411.2, NM_032195.3); c.245-3988G>A (NM_001291412.3); short protein forms D1313N.
Identifiers: ClinVar variation 4975819 (VCV004975819.1).